The following is an entry in ClinVar:

NM_017433.5(MYO3A):c.542G>A (p.Arg181His)

Gene: MYO3A (myosin IIIA; plus strand). Cytogenetic location: 10p12.1.
Variant type: single nucleotide variant.
Coding change: c.542G>A on transcript NM_017433.5 (MANE Select); coding-DNA position 542, G replaced by A.
Protein change: p.Arg181His; replaces arginine 181 with histidine.
Molecular consequence: missense variant.
Genome position (GRCh38, 1-based): chr10:26,016,853, G>A. VCF-style: chr10-26016853-G-A. GRCh37 (hg19) VCF-style: chr10-26305782-G-A.
Other names: c.542G>A, p.Arg181His (NM_001368265.1); short protein forms R181H.
Identifiers: ClinVar variation 517307 (VCV000517307.5), dbSNP rs574220416, ClinGen allele CA5444351.

ClinVar aggregate classification (germline): Conflicting classifications of pathogenicity. Review status: criteria provided, conflicting classifications (1 of 4 stars). 2 submissions from 2 submitters: Uncertain significance (1); Likely benign (1). Last evaluated 2025-09-23.

Conditions:
MYO3A-related disorder. Also called: MYO3A-related condition.

Allele frequency attached by ClinVar (database versions not stated): gnomAD exomes 0.00005 and 0.00003; TOPMed 0.00005; gnomAD 0.00006 and 0.00005; ExAC 0.00002.
gnomAD v4.1: 81 of 1,614,070 alleles (0.005%); highest among the groups gnomAD compares: South Asian, 0.011%; no homozygotes.

Submissions (2):

PreventionGenetics, part of Exact Sciences
Classification: Uncertain significance for MYO3A-related condition. Last evaluated: 2025-09-23. Review status: criteria provided, single submitter. Criteria: ACMG Guidelines, 2015. Collection method: clinical testing. Allele origin: germline.
Comment: The MYO3A c.542G>A variant is predicted to result in the amino acid substitution p.Arg181His. To our knowledge, this variant has not been reported in the literature. This variant is reported in 0.0098% of alleles in individuals of South Asian descent in gnomAD. At this time, the clinical significance of this variant is uncertain due to the absence of conclusive functional and genetic evidence.

Laboratory for Molecular Medicine, Mass General Brigham Personalized Medicine
Classification: Likely benign. Last evaluated: 2017-03-29. Review status: criteria provided, single submitter. Criteria: LMM Criteria. Collection method: clinical testing. Allele origin: germline. Observed: 1 variant allele.
Comment: p.Arg181His in exon 7 of MYO3A: This variant is not expected to have clinical si gnificance due to a lack of conservation across species, including mammals. Of n ote, 3 mammals (Pacific walrus, elephant, platypus) has a histidine (His) at thi s position despite high nearby amino acid conservation. In addition, computation al prediction tools do not suggest a high likelihood of impact to the protein. I t has been identified in 3/30782 South Asian and in 4/111692 European chromosome s by the Genome Aggregation Database (gnomAD; dbSNP rs574220416).